The following is an entry in ClinVar:

ClinVar aggregate classification (germline): Benign (1 of 4 stars; one submission).

gnomAD v4.1: 1,124 of 403,548 alleles (0.28%); highest among the groups gnomAD compares: Admixed American, 1.4%; 6 homozygotes.

Submission:

CeGaT Center for Human Genetics Tuebingen
Classification: Benign. Last evaluated: 2025-10-01. Review status: criteria provided, single submitter. Criteria: CeGaT Center For Human Genetics Tuebingen Variant Classification Criteria Version 2. Collection method: clinical testing. Allele origin: germline. Affected: yes. Observed: 1 variant allele.
Comment: ZFTRAF1: PP2, BP4, BS1, BS2

NM_001330618.2(ZFTRAF1):c.287C>T (p.Ala96Val)

Genes: TMEM276-ZFTRAF1 (TMEM276-ZFTRAF1 readthrough; minus strand), ZFTRAF1 (zinc finger TRAF-type and ring finger containing 1; minus strand). Cytogenetic location: 8q24.3.
Variant type: single nucleotide variant.
Coding change: c.287C>T on transcript NM_001330618.2 (MANE Select); coding-DNA position 287, C replaced by T.
Protein change: p.Ala96Val; replaces alanine 96 with valine.
Molecular consequence: missense variant. On other transcripts: intron variant (20).
Genome position (GRCh38, 1-based): chr8:144,462,368, G>A on the plus strand (C>T on the coding strand, the complement: ZFTRAF1 is on the minus strand). VCF-style: chr8-144462368-G-A. GRCh37 (hg19) VCF-style: chr8-145687751-G-A.
Other names: c.287C>T, p.Ala96Val (NM_001408047.1); c.93+2441C>T (NM_001408018.1, NM_001408019.1, NM_001408011.1 and 7 more transcripts); c.246+2092C>T (NM_001408009.1, NM_001408008.1, NM_001408010.1 and 5 more transcripts); c.-19+466C>T (NM_001408048.1, NM_001408049.1); short protein forms A96V.
Identifiers: ClinVar variation 4533592 (VCV004533592.6).
Genomic context (GRCh38, chr8:144,462,368, plus strand): 5'-TCCAGGCACACGGTGCAGCACAGCACCGAGTAGAGCCGCTCCTCCAGTTTCCCGCTGCCG[G>A]CCGCCGCCGCCGCCGCCGCCGCCTCGGCCGCCTCGGCTGCCCGCAGCCGCTTCTTGGGCG-3'
Protein context (NP_001317547.1, residues 86-106): AAEAAAAAAA[Ala96Val]GSGKLEERLY